The following is an entry in ClinVar:

ClinVar aggregate classification (germline): Pathogenic/Likely pathogenic. Review status: criteria provided, multiple submitters, no conflicts (2 of 4 stars). 2 submissions from 2 submitters: Pathogenic (1); Likely pathogenic (1). Last evaluated 2024-05-14.

Conditions:
Fanconi anemia (FA). Also called: Fanconi's anemia. Identifiers: Orphanet 84, MedGen C0015625, MeSH D005199, MONDO:0019391.

gnomAD v4.1: 3 of 1,614,152 alleles (0.00019%); highest among the groups gnomAD compares: Non-Finnish European, 0.00025%; no homozygotes.

Submissions (2):

Natera, Inc.
Classification: Likely pathogenic for Fanconi anemia. Last evaluated: 2024-05-14. Review status: criteria provided, single submitter. Criteria: Natera Variant Classification Schema (03/2026). Collection method: clinical testing. Allele origin: germline.
Comment: The c.3715G>T variant in FANCA is a nonsense variant predicted to introduce a stop codon at amino acid 1239. This variant is expected to result in nonsense mediated decay, truncation, or a dysfunctional protein product. This variant is rare in the general population with a frequency below the threshold expected for the associated phenotype(s). Given the available evidence, this variant is classified as Likely Pathogenic.

Labcorp Genetics (formerly Invitae), Labcorp
Classification: Pathogenic for Fanconi anemia. Last evaluated: 2023-02-20. Review status: criteria provided, single submitter. Criteria: Invitae Variant Classification Sherloc (09022015). Collection method: clinical testing. Allele origin: germline.
Comment: This variant is not present in population databases (gnomAD no frequency). This sequence change creates a premature translational stop signal (p.Glu1239*) in the FANCA gene. It is expected to result in an absent or disrupted protein product. Loss-of-function variants in FANCA are known to be pathogenic (PMID: 19367192). For these reasons, this variant has been classified as Pathogenic. Algorithms developed to predict the effect of sequence changes on RNA splicing suggest that this variant may disrupt the consensus splice site. This variant has not been reported in the literature in individuals affected with FANCA-related conditions.

Literature cited by the submitters: PubMed 19367192 (cited by Labcorp Genetics (formerly Invitae), Labcorp).

NM_000135.4(FANCA):c.3715G>T (p.Glu1239Ter)

Gene: FANCA (FA complementation group A; minus strand). Cytogenetic location: 16q24.3.
Variant type: single nucleotide variant.
Coding change: c.3715G>T on transcript NM_000135.4 (MANE Select); coding-DNA position 3715, G replaced by T.
Protein change: p.Glu1239Ter; replaces glutamic acid 1239 with a stop codon.
Molecular consequence: nonsense.
Genome position (GRCh38, 1-based): chr16:89,742,850, C>A on the plus strand (G>T on the coding strand, the complement: FANCA is on the minus strand). VCF-style: chr16-89742850-C-A. GRCh37 (hg19) VCF-style: chr16-89809258-C-A.
Other names: c.3715G>T, p.Glu1239Ter (NM_001286167.3); c.3715G>T (NM_000135.3); short protein forms E1239*.
Identifiers: ClinVar variation 3008632 (VCV003008632.4), dbSNP rs2143061441, ClinGen allele CA397485378.